The following is an entry in ClinVar:

ClinVar aggregate classification (germline): Benign/Likely benign. Review status: criteria provided, multiple submitters, no conflicts (2 of 4 stars). 4 submissions from 4 submitters: Benign (1); Likely benign (3). Last evaluated 2026-06-17.

Conditions:
Polyps, multiple and recurrent inflammatory fibroid, gastrointestinal. Identifiers: MedGen C5193005, MONDO:0008285, OMIM 175510.
Hereditary cancer-predisposing syndrome. Also called: Tumor predisposition; Hereditary neoplastic syndrome; Hereditary Cancer Syndrome; Neoplastic Syndromes, Hereditary. Identifiers: Orphanet 140162, MedGen C0027672, MeSH D009386, MONDO:0015356.
Gastrointestinal stromal tumor. Also called: Gastrointestinal stroma tumor; Gastrointestinal stromal tumor, somatic. Identifiers: Orphanet 44890, MedGen C0238198, MeSH D046152, MONDO:0011719, OMIM 606764, HP:0100723.
PDGFRA-related disorder. Also called: PDGFRA-related condition.

Allele frequency attached by ClinVar (database versions not stated): ExAC 0.00002; gnomAD exomes 0.00003 and 0.00004; gnomAD 0.00001; TOPMed 0.00001.
gnomAD v4.1: 58 of 1,613,896 alleles (0.0036%); highest among the groups gnomAD compares: South Asian, 0.046%; no homozygotes.

Submissions (4):

Myriad Genetics, Inc.
Classification: Benign for Polyps, multiple and recurrent inflammatory fibroid, gastrointestinal. Last evaluated: 2026-06-17. Review status: criteria provided, single submitter. Criteria: Myriad Autosomal Dominant, Autosomal Recessive and X-Linked Classification Criteria (2023). Collection method: clinical testing. Allele origin: unknown.
Comment: This variant is considered benign. This variant is a silent/synonymous amino acid change and it is not expected to impact splicing.

PreventionGenetics, part of Exact Sciences
Classification: Likely benign for PDGFRA-related condition. Last evaluated: 2026-06-14. Review status: criteria provided, single submitter. Criteria: ACMG Guidelines, 2015. Collection method: clinical testing. Allele origin: germline.
Comment: This variant is classified as likely benign based on ACMG/AMP sequence variant interpretation guidelines (Richards et al. 2015 PMID: 25741868, with internal and published modifications).

Labcorp Genetics (formerly Invitae), Labcorp
Classification: Likely benign for Gastrointestinal stromal tumor. Last evaluated: 2026-01-27. Review status: criteria provided, single submitter. Criteria: Invitae Variant Classification Sherloc (09022015). Collection method: clinical testing. Allele origin: germline.

Ambry Genetics
Classification: Likely benign for Hereditary cancer-predisposing syndrome. Last evaluated: 2022-02-12. Review status: criteria provided, single submitter. Criteria: Ambry Variant Classification Scheme 2023. Collection method: clinical testing. Allele origin: germline.

NM_006206.6(PDGFRA):c.1590A>G (p.Ala530=)

Gene: PDGFRA (platelet derived growth factor receptor alpha; plus strand). Cytogenetic location: 4q12.
Variant type: single nucleotide variant.
Coding change: c.1590A>G on transcript NM_006206.6 (MANE Select); coding-DNA position 1590, A replaced by G.
Protein change: p.Ala530=; no amino-acid change (alanine 530 retained).
Molecular consequence: synonymous variant.
Genome position (GRCh38, 1-based): chr4:54,274,562, A>G. VCF-style: chr4-54274562-A-G. GRCh37 (hg19) VCF-style: chr4-55140729-A-G.
Other names: c.1590A>G (NM_006206.5); c.1590A>G, p.Ala530= (NM_001347827.2, NM_001347829.2); c.1665A>G, p.Ala555= (NM_001347828.2); c.1629A>G, p.Ala543= (NM_001347830.2).
Identifiers: ClinVar variation 697855 (VCV000697855.15), dbSNP rs756968667, ClinGen allele CA2922622.